The following is an entry in ClinVar:

NM_144672.4(OTOA):c.1806+2T>G

Gene: OTOA (otoancorin). Cytogenetic location: 16p12.2.
Variant type: single nucleotide variant.
Coding change: c.1806+2T>G on transcript NM_144672.4 (MANE Select); the canonical splice donor site of the intron after coding-DNA position 1806, T replaced by G.
Molecular consequence: splice donor variant.
Genome position (GRCh38, 1-based): chr16:21,719,506, T>G. VCF-style: chr16-21719506-T-G. GRCh37 (hg19) VCF-style: chr16-21730827-T-G.
Other names: c.1569+2T>G (NM_001161683.2); c.834+2T>G (NM_170664.3).
Identifiers: ClinVar variation 5005545 (VCV005005545.2).

ClinVar aggregate classification (germline): Likely pathogenic (1 of 4 stars; one submission).

Conditions:
Autosomal recessive nonsyndromic hearing loss 22. Identifiers: Orphanet 90636, MedGen C1846896, MONDO:0011762, OMIM 607039.

Submission:

Juno Genomics, Hangzhou Juno Genomics, Inc
Classification: Likely pathogenic for Autosomal recessive nonsyndromic hearing loss 22. Review status: criteria provided, single submitter. Criteria: ACMG Guidelines, 2015. Collection method: clinical testing. Allele origin: germline.
Comment: Null variant in a gene where loss of function (LOF) is a known mechanism of disease.;Absent from controls (or at extremely low frequency if recessive) in Genome Aggregation Database.